The following is an entry in ClinVar:

ClinVar aggregate classification (germline): Uncertain significance (1 of 4 stars; one submission).

Submission:

Labcorp Genetics (formerly Invitae), Labcorp
Classification: Uncertain significance. Last evaluated: 2025-12-26. Review status: criteria provided, single submitter. Criteria: Invitae Variant Classification Sherloc (09022015). Collection method: clinical testing. Allele origin: germline.
Comment: This variant, c.279_281del, results in the deletion of 1 amino acid(s) of the SYT2 protein (p.Lys93del), but otherwise preserves the integrity of the reading frame. The frequency data for this variant in the population databases is considered unreliable, as metrics indicate poor data quality at this position in the gnomAD database. This variant has not been reported in the literature in individuals affected with SYT2-related conditions. Experimental studies and prediction algorithms are not available or were not evaluated, and the functional significance of this variant is currently unknown. In summary, the available evidence is currently insufficient to determine the role of this variant in disease. Therefore, it has been classified as a Variant of Uncertain Significance.

NM_177402.5(SYT2):c.270GAA[3] (p.Lys93del)

Gene: SYT2 (synaptotagmin 2; minus strand). Cytogenetic location: 1q32.1.
Variant type: Microsatellite.
Coding change: c.270GAA[3] on transcript NM_177402.5 (MANE Select); three copies in a row of the 3-base unit GAA starting at c.270; the reference has four copies in a row; one copy, 3 bases deleted.
Protein change: p.Lys93del; deletes lysine 93.
Molecular consequence: inframe deletion.
Genome position (GRCh38, 1-based): chr1:202,604,519-202,604,521, TTC deleted on the plus strand (GAA on the coding strand, the reverse complement: SYT2 is on the minus strand); deleting any 3 consecutive bases within chr1:202,604,519-202,604,532 gives the same sequence; the position shown is the placement nearest the transcript's 3' end. VCF-style (leftmost placement, unchanged base first): chr1-202604518-GTTC-G. GRCh37 (hg19) VCF-style: chr1-202573646-GTTC-G.
Other names: c.270GAA[3], p.Lys93del (NM_001136504.1); short protein forms K93del.
Identifiers: ClinVar variation 1511973 (VCV001511973.6), dbSNP rs745806917, ClinGen allele CA1333831.